The following is an entry in ClinVar:

ClinVar aggregate classification (germline): Uncertain significance. Review status: criteria provided, multiple submitters, no conflicts (2 of 4 stars). 2 submissions from 2 submitters: Uncertain significance (2). Last evaluated 2024-03-28.

Conditions:
Hereditary cancer-predisposing syndrome. Also called: Neoplastic Syndromes, Hereditary; Tumor predisposition; Hereditary neoplastic syndrome; Hereditary Cancer Syndrome. Identifiers: Orphanet 140162, MedGen C0027672, MeSH D009386, MONDO:0015356.
Rhabdoid tumor predisposition syndrome 2 (RTPS2). Identifiers: Orphanet 231108, Orphanet 69077, MedGen C2750074, MONDO:0013224, OMIM 613325.

Submissions (2):

Ambry Genetics
Classification: Uncertain significance for Hereditary cancer-predisposing syndrome. Last evaluated: 2024-03-28. Review status: criteria provided, single submitter. Criteria: Ambry Variant Classification Scheme 2023. Collection method: clinical testing. Allele origin: germline.
Comment: The p.K1291N variant (also known as c.3873G>T), located in coding exon 26 of the SMARCA4 gene, results from a G to T substitution at nucleotide position 3873. The amino acid change results in lysine to asparagine at codon 1291, an amino acid with similar properties. However, this change occurs in the last base pair of coding exon 26, which makes it likely to have some effect on normal mRNA splicing. This nucleotide position is highly conserved in available vertebrate species, and In silico splice site analysis for this alteration is inconclusive. This amino acid position is highly conserved in available vertebrate species. In addition, as a missense substitution this alteration is predicted to be tolerated by in silico analysis. Based on the available evidence, the clinical significance of this alteration remains unclear.

Labcorp Genetics (formerly Invitae), Labcorp
Classification: Uncertain significance for Rhabdoid tumor predisposition syndrome 2. Last evaluated: 2022-12-30. Review status: criteria provided, single submitter. Criteria: Invitae Variant Classification Sherloc (09022015). Collection method: clinical testing. Allele origin: germline.
Comment: In summary, the available evidence is currently insufficient to determine the role of this variant in disease. Therefore, it has been classified as a Variant of Uncertain Significance. Variants that disrupt the consensus splice site are a relatively common cause of aberrant splicing (PMID: 17576681, 9536098). Studies have shown that this missense change is associated with altered splicing resulting in unknown protein product impact (Invitae). Algorithms developed to predict the effect of missense changes on protein structure and function are either unavailable or do not agree on the potential impact of this missense change (SIFT: "Deleterious"; PolyPhen-2: "Benign"; Align-GVGD: "Class C0"). ClinVar contains an entry for this variant (Variation ID: 840084). This variant has not been reported in the literature in individuals affected with SMARCA4-related conditions. This variant is not present in population databases (gnomAD no frequency). This sequence change replaces lysine, which is basic and polar, with asparagine, which is neutral and polar, at codon 1291 of the SMARCA4 protein (p.Lys1291Asn). This variant also falls at the last nucleotide of exon 27, which is part of the consensus splice site for this exon.

Literature cited by the submitters: PubMed 17576681 (cited by Labcorp Genetics (formerly Invitae), Labcorp); PubMed 9536098 (cited by Labcorp Genetics (formerly Invitae), Labcorp).

NM_003072.5(SMARCA4):c.3873G>T (p.Lys1291Asn)

Gene: SMARCA4 (SWI/SNF related BAF chromatin remodeling complex subunit ATPase 4; plus strand). Cytogenetic location: 19p13.2.
Variant type: single nucleotide variant.
Coding change: c.3873G>T on transcript NM_003072.5 (MANE Select); coding-DNA position 3873, G replaced by T.
Protein change: p.Lys1291Asn; replaces lysine 1291 with asparagine.
Molecular consequence: missense variant. On other transcripts: intron variant (5).
Genome position (GRCh38, 1-based): chr19:11,033,865, G>T. VCF-style: chr19-11033865-G-T. GRCh37 (hg19) VCF-style: chr19-11144541-G-T.
Other names: c.3873G>T, p.Lys1291Asn (NM_001128844.3, NM_001128849.3); c.3775-258G>T (NM_001128847.4, NM_001374457.1, NM_001128845.2 and 2 more transcripts); short protein forms K1291N.
Identifiers: ClinVar variation 840084 (VCV000840084.5), dbSNP rs2075094217, ClinGen allele CA404066874.